The following is an entry in ClinVar:

NM_016507.4(CDK12):c.3887C>T (p.Ala1296Val)

Gene: CDK12 (cyclin dependent kinase 12; plus strand). Cytogenetic location: 17q12.
Variant type: single nucleotide variant.
Coding change: c.3887C>T on transcript NM_016507.4 (MANE Select); coding-DNA position 3887, C replaced by T.
Protein change: p.Ala1296Val; replaces alanine 1296 with valine.
Molecular consequence: missense variant.
Genome position (GRCh38, 1-based): chr17:39,530,730, C>T. VCF-style: chr17-39530730-C-T. GRCh37 (hg19) VCF-style: chr17-37686983-C-T.
Other names: c.3860C>T, p.Ala1287Val (NM_015083.4); short protein forms A1287V, A1296V.
Identifiers: ClinVar variation 4224347 (VCV004224347.1).

ClinVar aggregate classification (germline): Uncertain significance (1 of 4 stars; one submission).

gnomAD v4.1: 20 of 1,613,954 alleles (0.0012%); highest among the groups gnomAD compares: African/African-American, 0.0027%; no homozygotes.

Submission:

Ambry Genetics
Classification: Uncertain significance. Last evaluated: 2025-08-04. Review status: criteria provided, single submitter. Criteria: Ambry Variant Classification Scheme 2023. Collection method: clinical testing. Allele origin: germline.
Comment: The p.A1296V variant (also known as c.3887C>T), located in coding exon 14 of the CDK12 gene, results from a C to T substitution at nucleotide position 3887. The alanine at codon 1296 is replaced by valine, an amino acid with similar properties. This amino acid position is conserved. In addition, the in silico prediction for this alteration is inconclusive. Based on the available evidence, the clinical significance of this variant remains unclear.